The following is an entry in ClinVar:

ClinVar aggregate classification (germline): Uncertain significance (1 of 4 stars; one submission).

Conditions:
Hereditary breast ovarian cancer syndrome. Also called: BRCA1- and BRCA2-Associated Hereditary Breast and Ovarian Cancer; Hereditary breast and ovarian cancer syndrome (HBOC); Hereditary breast and/or ovarian cancer syndrome; Hereditary breast and ovarian cancer; Breast and ovarian cancer; Hereditary breast and ovarian cancer syndrome. Identifiers: Orphanet 145, MedGen C0677776, MeSH D061325, MONDO:0003582. Disease mechanism: loss of function.

Submission:

Labcorp Genetics (formerly Invitae), Labcorp
Classification: Uncertain significance for Hereditary breast ovarian cancer syndrome. Last evaluated: 2022-06-12. Review status: criteria provided, single submitter. Criteria: Invitae Variant Classification Sherloc (09022015). Collection method: clinical testing. Allele origin: germline.
Comment: This variant has not been reported in the literature in individuals affected with BRCA2-related conditions. In summary, the available evidence is currently insufficient to determine the role of this variant in disease. Therefore, it has been classified as a Variant of Uncertain Significance. Advanced modeling of protein sequence and biophysical properties (such as structural, functional, and spatial information, amino acid conservation, physicochemical variation, residue mobility, and thermodynamic stability) performed at Invitae indicates that this missense variant is not expected to disrupt BRCA2 protein function. This variant is not present in population databases (gnomAD no frequency). This sequence change replaces glutamine, which is neutral and polar, with leucine, which is neutral and non-polar, at codon 3398 of the BRCA2 protein (p.Gln3398Leu).

NM_000059.4(BRCA2):c.10193A>T (p.Gln3398Leu)

Gene: BRCA2 (BRCA2 DNA repair associated; plus strand). Cytogenetic location: 13q13.1.
Variant type: single nucleotide variant.
Coding change: c.10193A>T on transcript NM_000059.4 (MANE Select); coding-DNA position 10193, A replaced by T.
Protein change: p.Gln3398Leu; replaces glutamine 3398 with leucine.
Molecular consequence: missense variant.
Genome position (GRCh38, 1-based): chr13:32,398,706, A>T. VCF-style: chr13-32398706-A-T. GRCh37 (hg19) VCF-style: chr13-32972843-A-T.
Other names: c.10097A>T, p.Gln3366Leu (NM_001406719.1); c.10142A>T, p.Gln3381Leu (NM_001406720.1); c.5261A>T, p.Gln1754Leu (NM_001406721.1); c.3776A>T, p.Gln1259Leu (NM_001406722.1); short protein forms Q1259L, Q1754L, Q3366L, Q3398L, Q3381L.
Identifiers: ClinVar variation 2005124 (VCV002005124.4), dbSNP rs374275215, ClinGen allele CA387768371.
Genomic context (GRCh38, chr13:32,398,706, plus strand): 5'-ATTATCTCAGACTGAAACGACGTTGTACTACATCTCTGATCAAAGAACAGGAGAGTTCCC[A>T]GGCCAGTACGGAAGAATGTGAGAAAAATAAGCAGGACACAATTACAACTAAAAAATATAT-3'
Protein context (NP_000050.3, residues 3388-3408): TSLIKEQESS[Gln3398Leu]ASTEECEKNK